The following is an entry in ClinVar:

NM_002645.4(PIK3C2A):c.4942A>G (p.Ser1648Gly)

Gene: PIK3C2A (phosphatidylinositol-4-phosphate 3-kinase catalytic subunit type 2 alpha; minus strand). Cytogenetic location: 11p15.1.
Variant type: single nucleotide variant.
Coding change: c.4942A>G on transcript NM_002645.4 (MANE Select); coding-DNA position 4942, A replaced by G.
Protein change: p.Ser1648Gly; replaces serine 1648 with glycine.
Molecular consequence: missense variant.
Genome position (GRCh38, 1-based): chr11:17,089,857, T>C on the plus strand (A>G on the coding strand, the complement: PIK3C2A is on the minus strand). VCF-style: chr11-17089857-T-C. GRCh37 (hg19) VCF-style: chr11-17111404-T-C.
Other names: c.4942A>G, p.Ser1648Gly (NM_001321378.2); c.3802A>G, p.Ser1268Gly (NM_001321380.2); c.4774A>G, p.Ser1592Gly (NM_001386870.1); short protein forms S1648G, S1592G, S1268G.
Identifiers: ClinVar variation 1931706 (VCV001931706.2), dbSNP rs1420637134, ClinGen allele CA379755290.

ClinVar aggregate classification (germline): Uncertain significance (1 of 4 stars; one submission).

Allele frequency attached by ClinVar (database versions not stated): gnomAD exomes below 0.00001.
gnomAD v4.1: 2 of 1,613,482 alleles (0.00012%); highest among the groups gnomAD compares: Admixed American, 0.0017%; no homozygotes.

Submission:

Labcorp Genetics (formerly Invitae), Labcorp
Classification: Uncertain significance. Last evaluated: 2022-05-12. Review status: criteria provided, single submitter. Criteria: Invitae Variant Classification Sherloc (09022015). Collection method: clinical testing. Allele origin: germline.
Comment: This sequence change replaces serine, which is neutral and polar, with glycine, which is neutral and non-polar, at codon 1648 of the PIK3C2A protein (p.Ser1648Gly). This variant is present in population databases (no rsID available, gnomAD 0.003%). This variant has not been reported in the literature in individuals affected with PIK3C2A-related conditions. Algorithms developed to predict the effect of missense changes on protein structure and function are either unavailable or do not agree on the potential impact of this missense change (SIFT: "Not Available"; PolyPhen-2: "Probably Damaging"; Align-GVGD: "Not Available"). In summary, the available evidence is currently insufficient to determine the role of this variant in disease. Therefore, it has been classified as a Variant of Uncertain Significance.